The following is an entry in ClinVar:

NM_001385012.1(NBEA):c.4975A>G (p.Thr1659Ala)

Gene: NBEA (neurobeachin; plus strand). Cytogenetic location: 13q13.3.
Variant type: single nucleotide variant.
Coding change: c.4975A>G on transcript NM_001385012.1 (MANE Select); coding-DNA position 4975, A replaced by G.
Protein change: p.Thr1659Ala; replaces threonine 1659 with alanine.
Molecular consequence: missense variant.
Genome position (GRCh38, 1-based): chr13:35,195,911, A>G. VCF-style: chr13-35195911-A-G. GRCh37 (hg19) VCF-style: chr13-35770048-A-G.
Other names: c.4966A>G, p.Thr1656Ala (NM_001379245.1); c.4975A>G, p.Thr1659Ala (NM_015678.5); short protein forms T1656A, T1659A.
Identifiers: ClinVar variation 3057316 (VCV003057316.9), dbSNP rs201904198, ClinGen allele CA6947002.

ClinVar aggregate classification (germline): Likely benign. Review status: criteria provided, multiple submitters, no conflicts (2 of 4 stars). 3 submissions from 3 submitters: Likely benign (2). 1 of the submissions does not count toward it. Last evaluated 2025-10-01.

Conditions:
NBEA-related disorder. Also called: NBEA-related condition.

Allele frequency attached by ClinVar (database versions not stated): gnomAD 0.00017; ExAC 0.00041; ESP Exome Variant Server 0.00051.
gnomAD v4.1: 277 of 1,611,328 alleles (0.017%); highest among the groups gnomAD compares: Non-Finnish European, 0.0091%; no homozygotes.

Submissions (3):

CeGaT Center for Human Genetics Tuebingen
Classification: Likely benign. Last evaluated: 2025-10-01. Review status: criteria provided, single submitter. Criteria: CeGaT Center For Human Genetics Tuebingen Variant Classification Criteria Version 2. Collection method: clinical testing. Allele origin: germline. Affected: yes. Observed: 1 variant allele.
Comment: NBEA: BP4, BS2

Blueprint Genetics
Classification: Likely benign. Last evaluated: 2023-12-22. Review status: criteria provided, single submitter. Criteria: ACMG Guidelines, 2015. Collection method: clinical testing. Allele origin: germline.

PreventionGenetics, part of Exact Sciences
Classification: Likely benign for NBEA-related condition. Last evaluated: 2022-10-18. Review status: no assertion criteria provided. Collection method: clinical testing. Allele origin: germline. Not counted in ClinVar's aggregate classification.
Comment: This variant is classified as likely benign based on ACMG/AMP sequence variant interpretation guidelines (Richards et al. 2015 PMID: 25741868, with internal and published modifications).